The following is an entry in ClinVar:

ClinVar aggregate classification (germline): Likely pathogenic (1 of 4 stars; one submission).

Conditions:
Achromatopsia. Also called: Rod monochromatism. Identifiers: Orphanet 49382, MedGen C0152200, MONDO:0018852, HP:0011516.

Submission:

Natera, Inc.
Classification: Likely pathogenic for Achromatopsia. Last evaluated: 2025-04-01. Review status: criteria provided, single submitter. Criteria: Natera Variant Classification Schema (03/2026). Collection method: clinical testing. Allele origin: germline.
Comment: The c.211+2_211+3delinsAA variant in CNGB3 is a canonical splice donor site variant predicted to affect pre-mRNA splicing, which may result in an abnormal transcript and altered protein product. This variant is expected to result in nonsense mediated decay, truncation, or a dysfunctional protein product. This variant is rare in the general population with a frequency below the threshold expected for the associated phenotype(s). Given the available evidence, this variant is classified as Likely Pathogenic.

NM_019098.5(CNGB3):c.211+2_211+3delinsAA

Gene: CNGB3 (cyclic nucleotide gated channel subunit beta 3; minus strand). Cytogenetic location: 8q21.3.
Variant type: Indel.
Coding change: c.211+2_211+3delinsAA on transcript NM_019098.5 (MANE Select); the canonical splice donor site of the intron after coding-DNA position 211 through 3 bases into the intron after coding-DNA position 211, TC replaced by AA.
Molecular consequence: splice donor variant.
Genome position (GRCh38, 1-based): chr8:86,739,652-86,739,653, GA replaced by TT on the plus strand (TC replaced by AA on the coding strand, the reverse complement: CNGB3 is on the minus strand). VCF-style: chr8-86739652-GA-TT. GRCh37 (hg19) VCF-style: chr8-87751880-GA-TT.
Identifiers: ClinVar variation 4816016 (VCV004816016.1).